The following is an entry in ClinVar:

ClinVar aggregate classification (germline): Likely benign. Review status: criteria provided, multiple submitters, no conflicts (2 of 4 stars). 4 submissions from 4 submitters: Likely benign (4). Last evaluated 2025-05-15.

Conditions:
Nephronophthisis. Also called: Juvenile Nephronophthisis. Identifiers: Orphanet 655, MedGen C0687120, MONDO:0019005, HP:0000090.
NPHP4-related disorder. Also called: NPHP4-related condition; NPHP4-related disorders. Identifiers: MedGen CN239384.

Allele frequency attached by ClinVar (database versions not stated): gnomAD exomes 0.00002; gnomAD 0.00005 and 0.00006; TOPMed 0.00006; ExAC 0.00008; 1000 Genomes Project 30x 0.00016; 1000 Genomes Project 0.00020.
gnomAD v4.1: 39 of 1,577,416 alleles (0.0025%); highest among the groups gnomAD compares: Non-Finnish European, 0.0031%; no homozygotes.

Submissions (4):

Labcorp Genetics (formerly Invitae), Labcorp
Classification: Likely benign for Nephronophthisis. Last evaluated: 2025-05-15. Review status: criteria provided, single submitter. Criteria: Invitae Variant Classification Sherloc (09022015). Collection method: clinical testing. Allele origin: germline.

PreventionGenetics, part of Exact Sciences
Classification: Likely benign for NPHP4-related condition. Last evaluated: 2024-10-17. Review status: criteria provided, single submitter. Criteria: ACMG Guidelines, 2015. Collection method: clinical testing. Allele origin: germline.
Comment: This variant is classified as likely benign based on ACMG/AMP sequence variant interpretation guidelines (Richards et al. 2015 PMID: 25741868, with internal and published modifications).

Blueprint Genetics
Classification: Likely benign. Last evaluated: 2024-05-29. Review status: criteria provided, single submitter. Criteria: ACMG Guidelines, 2015. Collection method: clinical testing. Allele origin: germline.

CeGaT Center for Human Genetics Tuebingen
Classification: Likely benign. Last evaluated: 2024-04-01. Review status: criteria provided, single submitter. Criteria: CeGaT Center For Human Genetics Tuebingen Variant Classification Criteria Version 2. Collection method: clinical testing. Allele origin: germline. Affected: yes. Observed: 1 variant allele.
Comment: NPHP4: BP4, BP7

NM_015102.5(NPHP4):c.1581C>T (p.Pro527=)

Gene: NPHP4 (nephrocystin 4; minus strand). Cytogenetic location: 1p36.31.
Variant type: single nucleotide variant.
Coding change: c.1581C>T on transcript NM_015102.5 (MANE Select); coding-DNA position 1581, C replaced by T.
Protein change: p.Pro527=; no amino-acid change (proline 527 retained).
Molecular consequence: synonymous variant. On other transcripts: intron variant (2), non-coding transcript variant (1).
Genome position (GRCh38, 1-based): chr1:5,907,145, G>A on the plus strand (C>T on the coding strand, the complement: NPHP4 is on the minus strand). VCF-style: chr1-5907145-G-A. GRCh37 (hg19) VCF-style: chr1-5967205-G-A.
Other names: c.76-1365C>T (NM_001291593.2); c.76-1362C>T (NM_001291594.2); c.1581C>T (NM_015102.4).
Identifiers: ClinVar variation 1083762 (VCV001083762.31), dbSNP rs140728027, ClinGen allele CA554441.